The following is an entry in ClinVar:

NM_004316.4(ASCL1):c.37G>T (p.Gly13Cys)

Genes: ASCL1 (achaete-scute family bHLH transcription factor 1; plus strand), PAH (phenylalanine hydroxylase; minus strand). Cytogenetic location: 12q23.2.
Variant type: single nucleotide variant.
Coding change: c.37G>T on transcript NM_004316.4 (MANE Select); coding-DNA position 37, G replaced by T.
Protein change: p.Gly13Cys; replaces glycine 13 with cysteine.
Molecular consequence: missense variant. On other transcripts: 5 prime UTR variant (1).
Genome position (GRCh38, 1-based): chr12:102,958,281, G>T. VCF-style: chr12-102958281-G-T. GRCh37 (hg19) VCF-style: chr12-103352059-G-T.
Other names: c.-182C>A (NM_001354304.2); short protein forms G13C.
Identifiers: ClinVar variation 4979723 (VCV004979723.1).

ClinVar aggregate classification (germline): Uncertain significance (1 of 4 stars; one submission).

Conditions:
ASCL1-related disorder. Also called: ASCL1-related condition.

gnomAD v4.1: 4 of 1,476,050 alleles (0.00027%); highest among the groups gnomAD compares: Non-Finnish European, 0.00036%; no homozygotes.

Submission:

PreventionGenetics, part of Exact Sciences
Classification: Uncertain significance for ASCL1-related condition. Last evaluated: 2024-10-31. Review status: criteria provided, single submitter. Criteria: ACMG Guidelines, 2015. Collection method: clinical testing. Allele origin: germline.
Comment: The ASCL1 c.37G>T variant is predicted to result in the amino acid substitution p.Gly13Cys. To our knowledge, this variant has not been reported in the literature or in a large population database (gnomAD), indicating this variant is rare. At this time, the clinical significance of this variant is uncertain due to the absence of conclusive functional and genetic evidence.